The following is an entry in ClinVar:

ClinVar aggregate classification (germline): Uncertain significance (1 of 4 stars; one submission).

Conditions:
Charcot-Marie-Tooth disease type 2. Also called: Charcot-Marie-Tooth type 2. Identifiers: Orphanet 64746, MedGen C0270914, MONDO:0018993.

Allele frequency attached by ClinVar (database versions not stated): gnomAD exomes below 0.00001; TOPMed below 0.00001.
gnomAD v4.1: 1 of 1,611,808 alleles (0.000062%); highest among the groups gnomAD compares: Non-Finnish European, 0.000085%; no homozygotes.

Submission:

Labcorp Genetics (formerly Invitae), Labcorp
Classification: Uncertain significance for Charcot-Marie-Tooth disease type 2. Last evaluated: 2020-04-11. Review status: criteria provided, single submitter. Criteria: Invitae Variant Classification Sherloc (09022015). Collection method: clinical testing. Allele origin: germline.
Comment: In summary, the available evidence is currently insufficient to determine the role of this variant in disease. Therefore, it has been classified as a Variant of Uncertain Significance. Algorithms developed to predict the effect of missense changes on protein structure and function are either unavailable or do not agree on the potential impact of this missense change (SIFT: "Tolerated"; PolyPhen-2: "Benign"; Align-GVGD: "Class C0"). This variant has not been reported in the literature in individuals with MED25-related conditions. This variant is not present in population databases (ExAC no frequency). This sequence change replaces glutamine with histidine at codon 393 of the MED25 protein (p.Gln393His). The glutamine residue is highly conserved and there is a small physicochemical difference between glutamine and histidine.

NM_030973.4(MED25):c.1179G>C (p.Gln393His)

Gene: MED25 (mediator complex subunit 25; plus strand). Cytogenetic location: 19q13.33.
Variant type: single nucleotide variant.
Coding change: c.1179G>C on transcript NM_030973.4 (MANE Select); coding-DNA position 1179, G replaced by C.
Protein change: p.Gln393His; replaces glutamine 393 with histidine.
Molecular consequence: missense variant.
Genome position (GRCh38, 1-based): chr19:49,831,410, G>C. VCF-style: chr19-49831410-G-C. GRCh37 (hg19) VCF-style: chr19-50334667-G-C.
Other names: c.1179G>C, p.Gln393His (NM_001378355.1); short protein forms Q393H.
Identifiers: ClinVar variation 1039929 (VCV001039929.6), dbSNP rs951202638, ClinGen allele CA309516915.